The following is an entry in ClinVar:

ClinVar aggregate classification (germline): Likely benign. Review status: criteria provided, multiple submitters, no conflicts (2 of 4 stars). 4 submissions from 4 submitters: Likely benign (3). 1 of the submissions does not count toward it. Last evaluated 2026-01-19.

Conditions:
TMC1-related disorder. Also called: TMC1-related condition; TMC1-related disorders.

Allele frequency attached by ClinVar (database versions not stated): gnomAD exomes 0.00001 and 0.00006; ExAC 0.00007; 1000 Genomes Project 30x 0.00016; 1000 Genomes Project 0.00020; TOPMed 0.00030; gnomAD 0.00032 and 0.00034; ESP Exome Variant Server 0.00046.
gnomAD v4.1: 73 of 1,614,082 alleles (0.0045%); highest among the groups gnomAD compares: African/African-American, 0.08%; no homozygotes.

Submissions (4):

Labcorp Genetics (formerly Invitae), Labcorp
Classification: Likely benign. Last evaluated: 2026-01-19. Review status: criteria provided, single submitter. Criteria: Invitae Variant Classification Sherloc (09022015). Collection method: clinical testing. Allele origin: germline.

Blueprint Genetics
Classification: Likely benign. Last evaluated: 2024-02-09. Review status: criteria provided, single submitter. Criteria: ACMG Guidelines, 2015. Collection method: clinical testing. Allele origin: germline.

GeneDx
Classification: Likely benign. Last evaluated: 2021-06-04. Review status: criteria provided, single submitter. Criteria: GeneDx Variant Classification Process June 2021. Collection method: clinical testing. Allele origin: germline. Affected: yes.

PreventionGenetics, part of Exact Sciences
Classification: Likely benign for TMC1-related condition. Last evaluated: 2019-08-01. Review status: no assertion criteria provided. Collection method: clinical testing. Allele origin: germline. Not counted in ClinVar's aggregate classification.
Comment: This variant is classified as likely benign based on ACMG/AMP sequence variant interpretation guidelines (Richards et al. 2015 PMID: 25741868, with internal and published modifications).

NM_138691.3(TMC1):c.1764-5T>C

Gene: TMC1 (transmembrane channel like 1; plus strand). Cytogenetic location: 9q21.13.
Variant type: single nucleotide variant.
Coding change: c.1764-5T>C on transcript NM_138691.3 (MANE Select); 5 bases into the intron before coding-DNA position 1764, T replaced by C.
Molecular consequence: intron variant.
Genome position (GRCh38, 1-based): chr9:72,820,837, T>C. VCF-style: chr9-72820837-T-C. GRCh37 (hg19) VCF-style: chr9-75435753-T-C.
Other names: c.1764-5T>C (NM_138691.2).
Identifiers: ClinVar variation 1194948 (VCV001194948.13), dbSNP rs373603119, ClinGen allele CA5082071.